The following is an entry in ClinVar:

ClinVar aggregate classification (germline): Conflicting classifications of pathogenicity. Review status: criteria provided, conflicting classifications (1 of 4 stars). 5 submissions from 5 submitters: Uncertain significance (1); Likely benign (3). 1 of the submissions does not count toward it. Last evaluated 2026-01-26.

Conditions:
BIVM-ERCC5-related disorder. Also called: BIVM-ERCC5-related condition.
Xeroderma pigmentosum, group G (XPG). Also called: XERODERMA PIGMENTOSUM VII; XP, GROUP G; Xeroderma pigmentosum type 7; ERCC5-Related Xeroderma Pigmentosum. Identifiers: MedGen C0268141, MONDO:0010216, OMIM 278780.

Allele frequency attached by ClinVar (database versions not stated): gnomAD 0.00001; ExAC 0.00002; TOPMed 0.00002.

Submissions (5):

Labcorp Genetics (formerly Invitae), Labcorp
Classification: Likely benign. Last evaluated: 2026-01-26. Review status: criteria provided, single submitter. Criteria: Invitae Variant Classification Sherloc (09022015). Collection method: clinical testing. Allele origin: germline.

Blueprint Genetics
Classification: Likely benign. Last evaluated: 2024-10-24. Review status: criteria provided, single submitter. Criteria: ACMG Guidelines, 2015. Collection method: clinical testing. Allele origin: germline.

CeGaT Center for Human Genetics Tuebingen
Classification: Likely benign. Last evaluated: 2023-08-01. Review status: criteria provided, single submitter. Criteria: CeGaT Center For Human Genetics Tuebingen Variant Classification Criteria Version 2. Collection method: clinical testing. Allele origin: germline. Affected: yes. Observed: 1 variant allele.
Comment: ERCC5: BP4, BP7

Illumina Laboratory Services, Illumina
Classification: Uncertain significance for Xeroderma pigmentosum, group G. Last evaluated: 2018-01-12. Review status: criteria provided, single submitter. Criteria: ICSL Variant Classification Criteria 13 December 2019. Collection method: clinical testing. Allele origin: germline.

PreventionGenetics, part of Exact Sciences
Classification: Likely benign for BIVM-ERCC5-related condition. Last evaluated: 2019-02-26. Review status: no assertion criteria provided. Collection method: clinical testing. Allele origin: germline. Not counted in ClinVar's aggregate classification.
Comment: This variant is classified as likely benign based on ACMG/AMP sequence variant interpretation guidelines (Richards et al. 2015 PMID: 25741868, with internal and published modifications).

NM_000123.4(ERCC5):c.1131T>A (p.Ala377=)

Genes: BIVM-ERCC5 (BIVM-ERCC5 readthrough; plus strand), ERCC5 (ERCC excision repair 5, endonuclease; plus strand). Cytogenetic location: 13q33.1.
Variant type: single nucleotide variant.
Coding change: c.1131T>A on transcript NM_000123.4 (MANE Select); coding-DNA position 1131, T replaced by A.
Protein change: p.Ala377=; no amino-acid change (alanine 377 retained).
Molecular consequence: synonymous variant.
Genome position (GRCh38, 1-based): chr13:102,862,280, T>A. VCF-style: chr13-102862280-T-A. GRCh37 (hg19) VCF-style: chr13-103514630-T-A.
Other names: c.2493T>A, p.Ala831= (NM_001204425.2).
Identifiers: ClinVar variation 310919 (VCV000310919.35), dbSNP rs764744058, ClinGen allele CA7041356.